The following is an entry in ClinVar:

NM_152703.5(SAMD9L):c.4314T>G (p.Asn1438Lys)

Gene: SAMD9L (sterile alpha motif domain containing 9 like; minus strand). Cytogenetic location: 7q21.2.
Variant type: single nucleotide variant.
Coding change: c.4314T>G on transcript NM_152703.5 (MANE Select); coding-DNA position 4314, T replaced by G.
Protein change: p.Asn1438Lys; replaces asparagine 1438 with lysine.
Molecular consequence: missense variant.
Genome position (GRCh38, 1-based): chr7:93,131,658, A>C on the plus strand (T>G on the coding strand, the complement: SAMD9L is on the minus strand). VCF-style: chr7-93131658-A-C. GRCh37 (hg19) VCF-style: chr7-92760971-A-C.
Other names: c.4314T>G, p.Asn1438Lys (NM_001303496.3, NM_001303497.3, NM_001303498.3 and 5 more transcripts); short protein forms N1438K.
Identifiers: ClinVar variation 3437153 (VCV003437153.4).
Genomic context (GRCh38, chr7:93,131,658, plus strand): 5'-GGATCTATTTAAGGATGAAACATACTTTTCTATTAGTTTGGAATCTTGATCTAGCTCTTG[A>C]TTTTCTGGCCAGAACAGGAGGCAGGCCAAGAAATAAGGACCTGGATATTGATGACTTAGT-3'
Protein context (NP_689916.2, residues 1428-1448): FLACLLFWPE[Asn1438Lys]QELDQDSKLI

ClinVar aggregate classification (germline): Uncertain significance. Review status: criteria provided, multiple submitters, no conflicts (2 of 4 stars). 2 submissions from 2 submitters: Uncertain significance (2). Last evaluated 2025-09-10.

Conditions:
Inborn genetic diseases. Identifiers: MedGen C0950123, MeSH D030342.

gnomAD v4.1: 3 of 1,613,816 alleles (0.00019%); highest among the groups gnomAD compares: Admixed American, 0.005%; no homozygotes.

Submissions (2):

Ambry Genetics
Classification: Uncertain significance for Inborn genetic diseases. Last evaluated: 2025-09-10. Review status: criteria provided, single submitter. Criteria: Ambry Variant Classification Scheme 2023. Collection method: clinical testing. Allele origin: germline.

Labcorp Genetics (formerly Invitae), Labcorp
Classification: Uncertain significance. Last evaluated: 2024-04-15. Review status: criteria provided, single submitter. Criteria: Invitae Variant Classification Sherloc (09022015). Collection method: clinical testing. Allele origin: germline.
Comment: This sequence change replaces asparagine, which is neutral and polar, with lysine, which is basic and polar, at codon 1438 of the SAMD9L protein (p.Asn1438Lys). This variant is present in population databases (no rsID available, gnomAD 0.009%). This variant has not been reported in the literature in individuals affected with SAMD9L-related conditions. Advanced modeling of protein sequence and biophysical properties (such as structural, functional, and spatial information, amino acid conservation, physicochemical variation, residue mobility, and thermodynamic stability) performed at Invitae indicates that this missense variant is not expected to disrupt SAMD9L protein function with a negative predictive value of 80%. In summary, the available evidence is currently insufficient to determine the role of this variant in disease. Therefore, it has been classified as a Variant of Uncertain Significance.